The following is an entry in ClinVar:

NM_006158.5(NEFL):c.1047C>G (p.Asp349Glu)

Genes: NEFL (neurofilament light chain; minus strand), LOC126860330 (BRD4-independent group 4 enhancer GRCh37_chr8:24811677-24812876; plus strand). Cytogenetic location: 8p21.2.
Variant type: single nucleotide variant.
Coding change: c.1047C>G on transcript NM_006158.5 (MANE Select); coding-DNA position 1047, C replaced by G.
Protein change: p.Asp349Glu; replaces aspartic acid 349 with glutamic acid.
Molecular consequence: missense variant.
Genome position (GRCh38, 1-based): chr8:24,954,303, G>C on the plus strand (C>G on the coding strand, the complement: NEFL is on the minus strand). VCF-style: chr8-24954303-G-C. GRCh37 (hg19) VCF-style: chr8-24811817-G-C.
Other names: short protein forms D349E.
Identifiers: ClinVar variation 2999150 (VCV002999150.3), dbSNP rs1187312974, ClinGen allele CA370621042.

ClinVar aggregate classification (germline): Uncertain significance (1 of 4 stars; one submission).

Conditions:
Charcot-Marie-Tooth disease type 2E (CMT2E). Also called: CHARCOT-MARIE-TOOTH DISEASE, AXONAL, TYPE 2E; CHARCOT-MARIE-TOOTH NEUROPATHY, TYPE 2E. Identifiers: Orphanet 99939, MedGen C1843225, MONDO:0011894, OMIM 607684.

Submission:

Labcorp Genetics (formerly Invitae), Labcorp
Classification: Uncertain significance for Charcot-Marie-Tooth disease type 2E. Last evaluated: 2023-12-23. Review status: criteria provided, single submitter. Criteria: Invitae Variant Classification Sherloc (09022015). Collection method: clinical testing. Allele origin: germline.
Comment: This sequence change replaces aspartic acid, which is acidic and polar, with glutamic acid, which is acidic and polar, at codon 349 of the NEFL protein (p.Asp349Glu). This variant is not present in population databases (gnomAD no frequency). This variant has not been reported in the literature in individuals affected with NEFL-related conditions. Experimental studies and prediction algorithms are not available or were not evaluated, and the functional significance of this variant is currently unknown. In summary, the available evidence is currently insufficient to determine the role of this variant in disease. Therefore, it has been classified as a Variant of Uncertain Significance.